The following is an entry in ClinVar:

NM_177438.3(DICER1):c.464C>T (p.Ala155Val)

Gene: DICER1 (dicer 1, ribonuclease III; minus strand). Cytogenetic location: 14q32.13.
Variant type: single nucleotide variant.
Coding change: c.464C>T on transcript NM_177438.3 (MANE Select); coding-DNA position 464, C replaced by T.
Protein change: p.Ala155Val; replaces alanine 155 with valine.
Molecular consequence: missense variant.
Genome position (GRCh38, 1-based): chr14:95,130,167, G>A on the plus strand (C>T on the coding strand, the complement: DICER1 is on the minus strand). VCF-style: chr14-95130167-G-A. GRCh37 (hg19) VCF-style: chr14-95596504-G-A.
Other names: c.464C>T, p.Ala155Val (NM_001195573.1, NM_001271282.3, NM_001291628.2 and 1 more transcripts); short protein forms A155V.
Identifiers: ClinVar variation 825071 (VCV000825071.7), dbSNP rs1595459239, ClinGen allele CA390888561.

ClinVar aggregate classification (germline): Uncertain significance. Review status: criteria provided, multiple submitters, no conflicts (2 of 4 stars). 2 submissions from 2 submitters: Uncertain significance (2). Last evaluated 2023-02-11.

Conditions:
DICER1-related tumor predisposition. Also called: DICER1-related pleuropulmonary blastoma cancer predisposition syndrome; DICER1 syndrome. Identifiers: Orphanet 284343, MedGen C3839822, MONDO:0100216.
Hereditary cancer-predisposing syndrome. Also called: Neoplastic Syndromes, Hereditary; Hereditary Cancer Syndrome; Hereditary neoplastic syndrome; Tumor predisposition. Identifiers: Orphanet 140162, MedGen C0027672, MeSH D009386, MONDO:0015356.

Submissions (2):

Labcorp Genetics (formerly Invitae), Labcorp
Classification: Uncertain significance for DICER1-related tumor predisposition. Last evaluated: 2023-02-11. Review status: criteria provided, single submitter. Criteria: Invitae Variant Classification Sherloc (09022015). Collection method: clinical testing. Allele origin: germline.
Comment: This variant is not present in population databases (gnomAD no frequency). In summary, the available evidence is currently insufficient to determine the role of this variant in disease. Therefore, it has been classified as a Variant of Uncertain Significance. Advanced modeling of protein sequence and biophysical properties (such as structural, functional, and spatial information, amino acid conservation, physicochemical variation, residue mobility, and thermodynamic stability) performed at Invitae indicates that this missense variant is not expected to disrupt DICER1 protein function. ClinVar contains an entry for this variant (Variation ID: 825071). This variant has not been reported in the literature in individuals affected with DICER1-related conditions. This sequence change replaces alanine, which is neutral and non-polar, with valine, which is neutral and non-polar, at codon 155 of the DICER1 protein (p.Ala155Val).

Ambry Genetics
Classification: Uncertain significance for Hereditary cancer-predisposing syndrome. Last evaluated: 2019-03-21. Review status: criteria provided, single submitter. Criteria: Ambry Variant Classification Scheme 2023. Collection method: clinical testing. Allele origin: germline.
Comment: The p.A155V variant (also known as c.464C>T), located in coding exon 4 of the DICER1 gene, results from a C to T substitution at nucleotide position 464. The alanine at codon 155 is replaced by valine, an amino acid with similar properties. This amino acid position is highly conserved through mammals but not in all available vertebrate species. In addition, this alteration is predicted to be tolerated by in silico analysis. Since supporting evidence is limited at this time, the clinical significance of this alteration remains unclear.